The following is an entry in ClinVar:

ClinVar aggregate classification (germline): Uncertain significance (1 of 4 stars; one submission).

Conditions:
Aicardi-Goutieres syndrome 4. Identifiers: Orphanet 51, MedGen C1835912, MONDO:0012472, OMIM 610333.

Allele frequency attached by ClinVar (database versions not stated): gnomAD exomes below 0.00001 and 0.00004; ExAC 0.00001; TOPMed 0.00001.

Submission:

Labcorp Genetics (formerly Invitae), Labcorp
Classification: Uncertain significance for Aicardi-Goutieres syndrome 4. Last evaluated: 2021-08-28. Review status: criteria provided, single submitter. Criteria: Invitae Variant Classification Sherloc (09022015). Collection method: clinical testing. Allele origin: germline.
Comment: This sequence change replaces aspartic acid with glutamic acid at codon 87 of the RNASEH2A protein (p.Asp87Glu). The aspartic acid residue is moderately conserved and there is a small physicochemical difference between aspartic acid and glutamic acid. The frequency data for this variant in the population databases is considered unreliable, as metrics indicate poor data quality at this position in the ExAC database. This variant has not been reported in the literature in individuals affected with RNASEH2A-related conditions. Algorithms developed to predict the effect of missense changes on protein structure and function output the following: SIFT: "Tolerated"; PolyPhen-2: "Benign"; Align-GVGD: "Class C0". The glutamic acid amino acid residue is found in multiple mammalian species, which suggests that this missense change does not adversely affect protein function. In summary, the available evidence is currently insufficient to determine the role of this variant in disease. Therefore, it has been classified as a Variant of Uncertain Significance.

NM_006397.3(RNASEH2A):c.261C>G (p.Asp87Glu)

Gene: RNASEH2A (ribonuclease H2 subunit A; plus strand). Cytogenetic location: 19p13.13.
Variant type: single nucleotide variant.
Coding change: c.261C>G on transcript NM_006397.3 (MANE Select); coding-DNA position 261, C replaced by G.
Protein change: p.Asp87Glu; replaces aspartic acid 87 with glutamic acid.
Molecular consequence: missense variant.
Genome position (GRCh38, 1-based): chr19:12,807,267, C>G. VCF-style: chr19-12807267-C-G. GRCh37 (hg19) VCF-style: chr19-12918081-C-G.
Other names: short protein forms D87E.
Identifiers: ClinVar variation 1002364 (VCV001002364.6), dbSNP rs776835503, ClinGen allele CA9231810.